The following is an entry in ClinVar:

ClinVar aggregate classification (germline): Uncertain significance. Review status: criteria provided, multiple submitters, no conflicts (2 of 4 stars). 3 submissions from 3 submitters: Uncertain significance (3). Last evaluated 2025-02-05.

Conditions:
FG syndrome (FGS). Identifiers: MedGen C0220769, MONDO:0002010.
Familial thoracic aortic aneurysm and aortic dissection (TAAD). Also called: Thoracic aortic aneurysms and dissections. Identifiers: Orphanet 91387, MedGen C4707243, MONDO:0019625.

Allele frequency attached by ClinVar (database versions not stated): gnomAD exomes 0.00001 and 0.00002; TOPMed 0.00001; ExAC 0.00002.

Submissions (3):

Ambry Genetics
Classification: Uncertain significance for Familial thoracic aortic aneurysm and aortic dissection. Last evaluated: 2025-02-05. Review status: criteria provided, single submitter. Criteria: Ambry Variant Classification Scheme 2023. Collection method: clinical testing. Allele origin: germline.
Comment: The p.R1862H variant (also known as c.5585G>A), located in coding exon 39 of the MED12 gene, results from a G to A substitution at nucleotide position 5585. The arginine at codon 1862 is replaced by histidine, an amino acid with highly similar properties. This amino acid position is conserved. In addition, the in silico prediction for this alteration is inconclusive. Since supporting evidence is limited at this time, the clinical significance of this alteration remains unclear.

Labcorp Genetics (formerly Invitae), Labcorp
Classification: Uncertain significance for FG syndrome. Last evaluated: 2024-05-06. Review status: criteria provided, single submitter. Criteria: Invitae Variant Classification Sherloc (09022015). Collection method: clinical testing. Allele origin: germline.
Comment: This sequence change replaces arginine, which is basic and polar, with histidine, which is basic and polar, at codon 1862 of the MED12 protein (p.Arg1862His). This variant is present in population databases (rs773713291, gnomAD 0.008%), including at least one homozygous and/or hemizygous individual. This variant has not been reported in the literature in individuals affected with MED12-related conditions. ClinVar contains an entry for this variant (Variation ID: 458820). Advanced modeling of protein sequence and biophysical properties (such as structural, functional, and spatial information, amino acid conservation, physicochemical variation, residue mobility, and thermodynamic stability) has been performed at Invitae for this missense variant, however the output from this modeling did not meet the statistical confidence thresholds required to predict the impact of this variant on MED12 protein function. In summary, the available evidence is currently insufficient to determine the role of this variant in disease. Therefore, it has been classified as a Variant of Uncertain Significance.

CeGaT Center for Human Genetics Tuebingen
Classification: Uncertain significance. Last evaluated: 2023-11-01. Review status: criteria provided, single submitter. Criteria: CeGaT Center For Human Genetics Tuebingen Variant Classification Criteria Version 2. Collection method: clinical testing. Allele origin: germline. Affected: yes. Observed: 1 variant allele.

NM_005120.3(MED12):c.5585G>A (p.Arg1862His)

Gene: MED12 (mediator complex subunit 12; plus strand). Cytogenetic location: Xq13.1.
Variant type: single nucleotide variant.
Coding change: c.5585G>A on transcript NM_005120.3 (MANE Select); coding-DNA position 5585, G replaced by A.
Protein change: p.Arg1862His; replaces arginine 1862 with histidine.
Molecular consequence: missense variant.
Genome position (GRCh38, 1-based): chrX:71,137,220, G>A. VCF-style: chrX-71137220-G-A. GRCh37 (hg19) VCF-style: chrX-70357070-G-A.
Other names: short protein forms R1862H.
Identifiers: ClinVar variation 458820 (VCV000458820.35), dbSNP rs773713291, ClinGen allele CA10444808.